The following is an entry in ClinVar:

NM_144773.4(PROKR2):c.797G>A (p.Arg266Gln)

Gene: PROKR2 (prokineticin receptor 2; minus strand). Cytogenetic location: 20p12.3.
Variant type: single nucleotide variant.
Coding change: c.797G>A on transcript NM_144773.4 (MANE Select); coding-DNA position 797, G replaced by A.
Protein change: p.Arg266Gln; replaces arginine 266 with glutamine.
Molecular consequence: missense variant.
Genome position (GRCh38, 1-based): chr20:5,302,398, C>T on the plus strand (G>A on the coding strand, the complement: PROKR2 is on the minus strand). VCF-style: chr20-5302398-C-T. GRCh37 (hg19) VCF-style: chr20-5283044-C-T.
Other names: short protein forms R266Q.
Identifiers: ClinVar variation 4887433 (VCV004887433.1).

ClinVar aggregate classification (germline): Uncertain significance (1 of 4 stars; one submission).

gnomAD v4.1: 96 of 1,614,100 alleles (0.0059%); highest among the groups gnomAD compares: African/African-American, 0.033%; no homozygotes.

Submission:

Women's Health and Genetics/Laboratory Corporation of America, LabCorp
Classification: Uncertain significance. Last evaluated: 2026-06-08. Review status: criteria provided, single submitter. Criteria: LabCorp Variant Classification Summary - May 2015. Collection method: clinical testing. Allele origin: germline.
Comment: Variant summary: PROKR2 c.797G>A (p.Arg266Gln) results in a conservative amino acid change in the encoded protein sequence. Algorithms developed to predict the effect of missense changes on protein structure and function are either unavailable or do not agree on the potential impact of this missense change. The variant allele was found at a frequency of 4e-05 in 251412 control chromosomes. This frequency is not significantly higher than estimated for disease-causing variants in PROKR2, allowing no conclusion about variant significance. To our knowledge, no occurrence of c.797G>A in individuals affected with PROKR2-related conditions and no experimental evidence demonstrating its impact on protein function have been reported. No submitters have cited clinical-significance assessments for this variant to ClinVar. Based on the evidence outlined above, the variant was classified as uncertain significance.